The following is an entry in ClinVar:

ClinVar aggregate classification (germline): Likely pathogenic (0 of 4 stars; one submission).

Conditions:
Intellectual disability-severe speech delay-mild dysmorphism syndrome (IDDLA). Also called: Mental retardation with language impairment and autistic features; Intellectual developmental disorder with language impairment AND with or without autistic features; FOXP1 Syndrome. Identifiers: Orphanet 391372, MedGen C4013764, MONDO:0013352, OMIM 613670.

Submission:

Solve-RD Consortium
Classification: Likely pathogenic for Intellectual disability-severe speech delay-mild dysmorphism syndrome. Last evaluated: 2022-06-01. Review status: no assertion criteria provided. Collection method: provider interpretation. Allele origin: inherited. Affected: yes.
Comment: Variant confirmed as disease-causing by referring clinical team

Variant identified during reanalysis of unsolved cases by the Solve-RD project. The Solve-RD project has received funding from the European Union’s Horizon 2020 research and innovation programme under grant agreement No 779257.

Literature cited by the submitters: PubMed 39825153.

NM_001349338.3(FOXP1):c.1397C>T (p.Pro466Leu)

Gene: FOXP1 (forkhead box P1; minus strand). Cytogenetic location: 3p13.
Variant type: single nucleotide variant.
Coding change: c.1397C>T on transcript NM_001349338.3 (MANE Select); coding-DNA position 1397, C replaced by T.
Protein change: p.Pro466Leu; replaces proline 466 with leucine.
Molecular consequence: missense variant. On other transcripts: non-coding transcript variant (2).
Genome position (GRCh38, 1-based): chr3:70,977,674, G>A on the plus strand (C>T on the coding strand, the complement: FOXP1 is on the minus strand). VCF-style: chr3-70977674-G-A. GRCh37 (hg19) VCF-style: chr3-71026825-G-A.
Other names: c.1394C>T, p.Pro465Leu (NM_001244808.3, NM_001349341.3); c.1397C>T, p.Pro466Leu (NM_001244810.2, NM_001244814.3, NM_001244816.2 and 2 more transcripts); c.1169C>T, p.Pro390Leu (NM_001244812.3); c.1097C>T, p.Pro366Leu (NM_001244813.3, NM_001244815.2, NM_001349342.3); c.1094C>T, p.Pro365Leu (NM_001349337.2, NM_001349343.3, NM_001349344.3 and 1 more transcripts); short protein forms P365L, P366L, P390L, P465L, P466L.
Identifiers: ClinVar variation 3256796 (VCV003256796.1).
Genomic context (GRCh38, chr3:70,977,674, plus strand): 5'-GAATTTCATATACTGTGTTATTTACTTACCTGCCTAATTAAAGATGCATATGTAAATGGT[G>A]GTCTAACTTCTGCGTTCTTATAAAATTCTTGGTTCTGCGCAATATCTGCTGAATAAGAAT-3'
Protein context (NP_001336267.1, residues 456-476): QEFYKNAEVR[Pro466Leu]PFTYASLIRQ